The following is an entry in ClinVar:

NM_145886.4(PIDD1):c.1388C>T (p.Pro463Leu)

Gene: PIDD1 (p53-induced death domain protein 1; minus strand). Cytogenetic location: 11p15.5.
Variant type: single nucleotide variant.
Coding change: c.1388C>T on transcript NM_145886.4 (MANE Select); coding-DNA position 1388, C replaced by T.
Protein change: p.Pro463Leu; replaces proline 463 with leucine.
Molecular consequence: missense variant.
Genome position (GRCh38, 1-based): chr11:801,539, G>A on the plus strand (C>T on the coding strand, the complement: PIDD1 is on the minus strand). VCF-style: chr11-801539-G-A. GRCh37 (hg19) VCF-style: chr11-801539-G-A.
Other names: c.1388C>T, p.Pro463Leu (NM_145887.4); short protein forms P463L.
Identifiers: ClinVar variation 3343491 (VCV003343491.1).

ClinVar aggregate classification (germline): Uncertain significance (1 of 4 stars; one submission).

gnomAD v4.1: 25 of 1,566,578 alleles (0.0016%); highest among the groups gnomAD compares: Admixed American, 0.0038%; no homozygotes.

Submission:

GeneDx
Classification: Uncertain significance. Last evaluated: 2023-05-15. Review status: criteria provided, single submitter. Criteria: GeneDx Variant Classification Process June 2021. Collection method: clinical testing. Allele origin: germline. Affected: yes.
Comment: In silico analysis supports that this missense variant has a deleterious effect on protein structure/function; Has not been previously published as pathogenic or benign to our knowledge